The following is an entry in ClinVar:

ClinVar aggregate classification (germline): Uncertain significance. Review status: criteria provided, multiple submitters, no conflicts (2 of 4 stars). 2 submissions from 2 submitters: Uncertain significance (2). Last evaluated 2026-03-18.

Conditions:
Thrombophilia due to protein S deficiency, autosomal recessive (THPH6). Identifiers: Orphanet 743, MedGen C3281092, MONDO:0013791, OMIM 614514. Disease mechanism: loss of function.

Submissions (2):

GeneDx
Classification: Uncertain significance. Last evaluated: 2026-03-18. Review status: criteria provided, single submitter. Criteria: GeneDx Variant Classification Process June 2021. Collection method: clinical testing. Allele origin: germline.
Comment: In silico analysis supports that this missense variant has a deleterious effect on protein structure/function; Has not been previously published as pathogenic or benign to our knowledge

Labcorp Genetics (formerly Invitae), Labcorp
Classification: Uncertain significance for Thrombophilia due to protein S deficiency, autosomal recessive. Last evaluated: 2024-08-21. Review status: criteria provided, single submitter. Criteria: Invitae Variant Classification Sherloc (09022015). Collection method: clinical testing. Allele origin: germline.
Comment: This sequence change replaces arginine, which is basic and polar, with glutamine, which is neutral and polar, at codon 330 of the PROS1 protein (p.Arg330Gln). This variant is present in population databases (rs549405539, gnomAD 0.02%). This variant has not been reported in the literature in individuals affected with PROS1-related conditions. Invitae Evidence Modeling of protein sequence and biophysical properties (such as structural, functional, and spatial information, amino acid conservation, physicochemical variation, residue mobility, and thermodynamic stability) indicates that this missense variant is expected to disrupt PROS1 protein function with a positive predictive value of 80%. In summary, the available evidence is currently insufficient to determine the role of this variant in disease. Therefore, it has been classified as a Variant of Uncertain Significance.

NM_000313.4(PROS1):c.989G>A (p.Arg330Gln)

Gene: PROS1 (protein S; minus strand). Cytogenetic location: 3q11.1.
Variant type: single nucleotide variant.
Coding change: c.989G>A on transcript NM_000313.4 (MANE Select); coding-DNA position 989, G replaced by A.
Protein change: p.Arg330Gln; replaces arginine 330 with glutamine.
Molecular consequence: missense variant.
Genome position (GRCh38, 1-based): chr3:93,893,099, C>T on the plus strand (G>A on the coding strand, the complement: PROS1 is on the minus strand). VCF-style: chr3-93893099-C-T. GRCh37 (hg19) VCF-style: chr3-93611943-C-T.
Other names: c.1085G>A, p.Arg362Gln (NM_001314077.2); short protein forms R330Q, R362Q.
Identifiers: ClinVar variation 3667482 (VCV003667482.3).